The following is an entry in ClinVar:

NM_001135649.3(FOXI3):c.28G>A (p.Gly10Arg)

Gene: FOXI3 (forkhead box I3; minus strand). Cytogenetic location: 2p11.2.
Variant type: single nucleotide variant.
Coding change: c.28G>A on transcript NM_001135649.3 (MANE Select); coding-DNA position 28, G replaced by A.
Protein change: p.Gly10Arg; replaces glycine 10 with arginine.
Molecular consequence: missense variant.
Genome position (GRCh38, 1-based): chr2:88,452,508, C>T on the plus strand (G>A on the coding strand, the complement: FOXI3 is on the minus strand). VCF-style: chr2-88452508-C-T. GRCh37 (hg19) VCF-style: chr2-88752026-C-T.
Other names: short protein forms G10R.
Identifiers: ClinVar variation 2806898 (VCV002806898.3), dbSNP rs1676072335, ClinGen allele CA347767203.
Genomic context (GRCh38, chr2:88,452,508, plus strand): 5'-GGGCGCCCGGGGCGGCGGCGGTGGCGGCGGGCGGGGGCAGGCCGGGCTGCGAATACACTC[C>T]GAAGTTGTCGCCGCAGTAGAGGGCCATGTCGGCGGCCGTGGGCGGCTGCGGCGCGGCCGC-3'
Protein context (NP_001129121.1, residues 1-20): MALYCGDNF[Gly10Arg]VYSQPGLPPP

ClinVar aggregate classification (germline): Uncertain significance (1 of 4 stars; one submission).

Allele frequency attached by ClinVar (database versions not stated): gnomAD 0.00001.

Submission:

Labcorp Genetics (formerly Invitae), Labcorp
Classification: Uncertain significance. Last evaluated: 2025-10-06. Review status: criteria provided, single submitter. Criteria: Invitae Variant Classification Sherloc (09022015). Collection method: clinical testing. Allele origin: germline.
Comment: This sequence change replaces glycine, which is neutral and non-polar, with arginine, which is basic and polar, at codon 10 of the FOXI3 protein (p.Gly10Arg). The frequency data for this variant in the population databases is considered unreliable, as metrics indicate insufficient coverage at this position in the gnomAD database. This variant has not been reported in the literature in individuals affected with FOXI3-related conditions. ClinVar contains an entry for this variant (Variation ID: 2806898). Experimental studies and prediction algorithms are not available or were not evaluated, and the functional significance of this variant is currently unknown. In summary, the available evidence is currently insufficient to determine the role of this variant in disease. Therefore, it has been classified as a Variant of Uncertain Significance.